The following is an entry in ClinVar:

ClinVar aggregate classification (germline): Benign/Likely benign. Review status: criteria provided, multiple submitters, no conflicts (2 of 4 stars). 10 submissions from 10 submitters: Benign (9); Likely benign (1). Last evaluated 2026-08-01.

Conditions:
Autosomal recessive nonsyndromic hearing loss 63. Identifiers: Orphanet 90636, MedGen C1969621, MONDO:0012670, OMIM 611451.

Allele frequency attached by ClinVar (database versions not stated): 1000 Genomes Project 30x 0.00453; ESP Exome Variant Server 0.00613; ExAC 0.01069; 1000 Genomes Project 0.00519; gnomAD 0.00743; gnomAD exomes 0.00774; TOPMed 0.00907.
gnomAD v4.1: 17,871 of 1,535,518 alleles (1.2%); highest among the groups gnomAD compares: Non-Finnish European, 1.4%; 112 homozygotes.

Submissions (10):

CeGaT Center for Human Genetics Tuebingen
Classification: Benign. Last evaluated: 2026-08-01. Review status: criteria provided, single submitter. Criteria: CeGaT Center For Human Genetics Tuebingen Variant Classification Criteria Version 2. Collection method: clinical testing. Allele origin: germline. Affected: yes. Observed: 19 variant alleles.
Comment: LRTOMT: BP4, BS1, BS2; TOMT: BP4, BS1, BS2

Labcorp Genetics (formerly Invitae), Labcorp
Classification: Benign. Last evaluated: 2026-01-17. Review status: criteria provided, single submitter. Criteria: Invitae Variant Classification Sherloc (09022015). Collection method: clinical testing. Allele origin: germline.

Blueprint Genetics
Classification: Likely benign. Last evaluated: 2024-11-27. Review status: criteria provided, single submitter. Criteria: ACMG Guidelines, 2015. Collection method: clinical testing. Allele origin: germline.

ARUP Laboratories, Molecular Genetics and Genomics, ARUP Laboratories
Classification: Benign for Autosomal recessive nonsyndromic hearing loss 63. Last evaluated: 2023-10-20. Review status: criteria provided, single submitter. Criteria: ARUP Molecular Germline Variant Investigation Process 2024. Collection method: clinical testing. Allele origin: germline.

Mayo Clinic Laboratories, Mayo Clinic
Classification: Benign. Last evaluated: 2021-09-07. Review status: criteria provided, single submitter. Criteria: ACMG Guidelines, 2015. Collection method: clinical testing. Allele origin: germline. Observed: 4 variant alleles.
Comment: BA1, BS1, BP4

Mendelics
Classification: Benign for Autosomal recessive nonsyndromic hearing loss 63. Last evaluated: 2019-05-28. Review status: criteria provided, single submitter. Criteria: Mendelics Assertion Criteria 2017. Collection method: clinical testing. Allele origin: unknown.

Athena Diagnostics
Classification: Benign. Last evaluated: 2018-11-12. Review status: criteria provided, single submitter. Criteria: Athena Diagnostics Criteria. Collection method: clinical testing. Allele origin: germline.

GeneDx
Classification: Benign. Last evaluated: 2018-05-18. Review status: criteria provided, single submitter. Criteria: GeneDx Variant Classification Process June 2021. Collection method: clinical testing. Allele origin: germline. Affected: yes.
Comment: This variant is associated with the following publications: (PMID: 27884173, 18794526, 30245029)

Eurofins Ntd Llc (ga)
Classification: Benign. Last evaluated: 2014-12-16. Review status: criteria provided, single submitter. Criteria: EGL Classification Definitions 2015. Collection method: clinical testing. Allele origin: germline. Observed: 1 variant allele, 1 heterozygote.

Laboratory for Molecular Medicine, Mass General Brigham Personalized Medicine
Classification: Benign. Last evaluated: 2012-04-30. Review status: criteria provided, single submitter. Criteria: LMM Criteria. Collection method: clinical testing. Allele origin: germline. Observed: 23 variant alleles.
Comment: Arg208Gln in Exon 07 of LRTOMT: This variant is not expected to have clinical si gnificance because it has been identified in 0.9% (23/2532) of European American chromosomes from a broad population by the NHLBI Exome Sequencing Project (dbSNP rs61741195).

NM_001393500.2(TOMT):c.524G>A (p.Arg175Gln)

Genes: ANAPC15 (anaphase promoting complex subunit 15; minus strand), LRTOMT (leucine rich transmembrane and O-methyltransferase domain containing; plus strand), TOMT (transmembrane O-methyltransferase; plus strand). Cytogenetic location: 11q13.4.
Variant type: single nucleotide variant.
Coding change: c.524G>A on transcript NM_001393500.2 (MANE Select); coding-DNA position 524, G replaced by A.
Protein change: p.Arg175Gln; replaces arginine 175 with glutamine.
Molecular consequence: missense variant. On other transcripts: 3 prime UTR variant (3), non-coding transcript variant (1), intron variant (7).
Genome position (GRCh38, 1-based): chr11:72,108,672, G>A. VCF-style: chr11-72108672-G-A. GRCh37 (hg19) VCF-style: chr11-71819718-G-A.
Other names: c.623G>A, p.Arg208Gln (NM_001145308.5, NM_001145309.4); c.503G>A, p.Arg168Gln (NM_001145310.4); c.*147C>T (NM_001393443.1, NM_001393444.1, NM_001393445.1); c.64-1067C>T (NM_001393459.1); c.319-1067C>T (NM_001393430.1, NM_001393429.1, NM_001393428.1 and 3 more transcripts); short protein forms R208Q, R168Q, R175Q.
Identifiers: ClinVar variation 44040 (VCV000044040.58), dbSNP rs61741195, ClinGen allele CA133446.